The following is an entry in ClinVar:

ClinVar aggregate classification (germline): Uncertain significance (1 of 4 stars; one submission).

Allele frequency attached by ClinVar (database versions not stated): TOPMed 0.00001; gnomAD exomes 0.00003; ExAC 0.00004; ESP Exome Variant Server 0.00008.
gnomAD v4.1: 39 of 1,614,146 alleles (0.0024%); highest among the groups gnomAD compares: Non-Finnish European, 0.0031%; no homozygotes.

Submission:

Labcorp Genetics (formerly Invitae), Labcorp
Classification: Uncertain significance. Last evaluated: 2022-07-06. Review status: criteria provided, single submitter. Criteria: Invitae Variant Classification Sherloc (09022015). Collection method: clinical testing. Allele origin: germline.
Comment: In summary, the available evidence is currently insufficient to determine the role of this variant in disease. Therefore, it has been classified as a Variant of Uncertain Significance. Algorithms developed to predict the effect of missense changes on protein structure and function are either unavailable or do not agree on the potential impact of this missense change (SIFT: "Deleterious"; PolyPhen-2: "Not Available"; Align-GVGD: "Class C65"). This variant has not been reported in the literature in individuals affected with SRCAP-related conditions. This variant is present in population databases (rs376483582, gnomAD 0.005%). This sequence change replaces arginine, which is basic and polar, with cysteine, which is neutral and slightly polar, at codon 337 of the SRCAP protein (p.Arg337Cys).

NM_006662.3(SRCAP):c.1009C>T (p.Arg337Cys)

Gene: SRCAP (Snf2 related CREBBP activator protein; plus strand). Cytogenetic location: 16p11.2.
Variant type: single nucleotide variant.
Coding change: c.1009C>T on transcript NM_006662.3 (MANE Select); coding-DNA position 1009, C replaced by T.
Protein change: p.Arg337Cys; replaces arginine 337 with cysteine.
Molecular consequence: missense variant.
Genome position (GRCh38, 1-based): chr16:30,710,003, C>T. VCF-style: chr16-30710003-C-T. GRCh37 (hg19) VCF-style: chr16-30721324-C-T.
Other names: short protein forms R337C.
Identifiers: ClinVar variation 2177012 (VCV002177012.4), dbSNP rs376483582, ClinGen allele CA8010803.
Genomic context (GRCh38, chr16:30,710,003, plus strand): 5'-CAGAGGCGTGAGATTGAGCTGCTTCGCCGTGAGGGAGAATTGCCACTGGAAGAGCTGCTC[C>T]GTTCCCTTCCCCCTCAGCTGTTGGAAGGGCCTTCCAGCCCCTCTCAAACCCCCTCATCTC-3'
Protein context (NP_006653.2, residues 327-347): EGELPLEELL[Arg337Cys]SLPPQLLEGP